The following is an entry in ClinVar:

NM_006035.4(CDC42BPB):c.3985C>T (p.Gln1329Ter)

Gene: CDC42BPB (CDC42 binding protein kinase beta; minus strand). Cytogenetic location: 14q32.32.
Variant type: single nucleotide variant.
Coding change: c.3985C>T on transcript NM_006035.4 (MANE Select); coding-DNA position 3985, C replaced by T.
Protein change: p.Gln1329Ter; replaces glutamine 1329 with a stop codon.
Molecular consequence: nonsense.
Genome position (GRCh38, 1-based): chr14:102,944,314, G>A on the plus strand (C>T on the coding strand, the complement: CDC42BPB is on the minus strand). VCF-style: chr14-102944314-G-A. GRCh37 (hg19) VCF-style: chr14-103410651-G-A.
Other names: short protein forms Q1329*.
Identifiers: ClinVar variation 1076774 (VCV001076774.7), dbSNP rs2139363710, ClinGen allele CA391075763.
Genomic context (GRCh38, chr14:102,944,314, plus strand): 5'-TCACGGCCACAAACAGGCAGGTGCCAGAGTTCCTCTTGAGTGTGGCCGTGGCCATGAGCT[G>A]GCAGCCTTTGGTTTCCGGAAGCTTGATGTCAAAGCTGCCTTCCGCTCCATCAAGGGACGA-3'

ClinVar aggregate classification (germline): Pathogenic (1 of 4 stars; one submission).

Submission:

Labcorp Genetics (formerly Invitae), Labcorp
Classification: Pathogenic. Last evaluated: 2020-07-20. Review status: criteria provided, single submitter. Criteria: Invitae Variant Classification Sherloc (09022015). Collection method: clinical testing. Allele origin: germline.
Comment: Loss-of-function variants in CDC42BPB are known to be pathogenic (PMID: 32031333). This variant has not been reported in the literature in individuals with CDC42BPB-related conditions. This variant is not present in population databases (ExAC no frequency). This sequence change creates a premature translational stop signal (p.Gln1329*) in the CDC42BPB gene. It is expected to result in an absent or disrupted protein product. For these reasons, this variant has been classified as Pathogenic.

Literature cited by the submitters: PubMed 32031333.